The following is an entry in ClinVar:

ClinVar aggregate classification (germline): Uncertain significance (1 of 4 stars; one submission).

gnomAD v4.1: 2 of 1,610,844 alleles (0.00012%); highest among the groups gnomAD compares: Admixed American, 0.0034%; no homozygotes.

Submission:

Labcorp Genetics (formerly Invitae), Labcorp
Classification: Uncertain significance. Last evaluated: 2022-02-11. Review status: criteria provided, single submitter. Criteria: Invitae Variant Classification Sherloc (09022015). Collection method: clinical testing. Allele origin: germline.
Comment: This sequence change replaces valine, which is neutral and non-polar, with leucine, which is neutral and non-polar, at codon 3494 of the PCLO protein (p.Val3494Leu). This variant is present in population databases (no rsID available, gnomAD 0.006%). This variant has not been reported in the literature in individuals affected with PCLO-related conditions. Algorithms developed to predict the effect of missense changes on protein structure and function are either unavailable or do not agree on the potential impact of this missense change (SIFT: "Tolerated"; PolyPhen-2: "Not Available"; Align-GVGD: "Class C0"). In summary, the available evidence is currently insufficient to determine the role of this variant in disease. Therefore, it has been classified as a Variant of Uncertain Significance.

NM_033026.6(PCLO):c.10480G>T (p.Val3494Leu)

Gene: PCLO (piccolo presynaptic cytomatrix protein; minus strand). Cytogenetic location: 7q21.11.
Variant type: single nucleotide variant.
Coding change: c.10480G>T on transcript NM_033026.6 (MANE Select); coding-DNA position 10480, G replaced by T.
Protein change: p.Val3494Leu; replaces valine 3494 with leucine.
Molecular consequence: missense variant.
Genome position (GRCh38, 1-based): chr7:82,950,108, C>A on the plus strand (G>T on the coding strand, the complement: PCLO is on the minus strand). VCF-style: chr7-82950108-C-A. GRCh37 (hg19) VCF-style: chr7-82579424-C-A.
Other names: c.10480G>T, p.Val3494Leu (NM_014510.3); short protein forms V3494L.
Identifiers: ClinVar variation 2184455 (VCV002184455.1), dbSNP rs779483317, ClinGen allele CA367903367.